The following is an entry in ClinVar:

ClinVar aggregate classification (germline): Benign/Likely benign. Review status: criteria provided, multiple submitters, no conflicts (2 of 4 stars). 3 submissions from 3 submitters: Benign (1); Likely benign (2). Last evaluated 2025-05-27.

Conditions:
Familial adenomatous polyposis 1 (FAP1). Also called: POLYPOSIS, ADENOMATOUS INTESTINAL; FAMILIAL ADENOMATOUS POLYPOSIS 1, ATTENUATED. Identifiers: MedGen C2713442, MONDO:0021056, OMIM 175100. Disease mechanism: loss of function.
Hereditary cancer-predisposing syndrome. Also called: Hereditary neoplastic syndrome; Neoplastic Syndromes, Hereditary; Tumor predisposition; Hereditary Cancer Syndrome. Identifiers: Orphanet 140162, MedGen C0027672, MeSH D009386, MONDO:0015356.

gnomAD v4.1: 1 of 1,614,042 alleles (0.000062%); highest among the groups gnomAD compares: Non-Finnish European, 0.000085%; no homozygotes.

Submissions (3):

Labcorp Genetics (formerly Invitae), Labcorp
Classification: Likely benign for Familial adenomatous polyposis 1. Last evaluated: 2025-05-27. Review status: criteria provided, single submitter. Criteria: Invitae Variant Classification Sherloc (09022015). Collection method: clinical testing. Allele origin: germline.

Myriad Genetics, Inc.
Classification: Benign for Familial adenomatous polyposis 1. Last evaluated: 2024-04-09. Review status: criteria provided, single submitter. Criteria: Myriad Autosomal Dominant, Autosomal Recessive and X-Linked Classification Criteria (2023). Collection method: clinical testing. Allele origin: unknown.
Comment: This variant is considered benign. This variant is a silent/synonymous amino acid change and it is not expected to impact splicing.

Ambry Genetics
Classification: Likely benign for Hereditary cancer-predisposing syndrome. Last evaluated: 2019-08-12. Review status: criteria provided, single submitter. Criteria: Ambry Variant Classification Scheme 2023. Collection method: clinical testing. Allele origin: germline.

NM_000038.6(APC):c.7389A>G (p.Glu2463=)

Gene: APC (APC regulator of Wnt signaling pathway; plus strand). Cytogenetic location: 5q22.2.
Variant type: single nucleotide variant.
Coding change: c.7389A>G on transcript NM_000038.6 (MANE Select); coding-DNA position 7389, A replaced by G.
Protein change: p.Glu2463=; no amino-acid change (glutamic acid 2463 retained).
Molecular consequence: synonymous variant.
Genome position (GRCh38, 1-based): chr5:112,842,983, A>G. VCF-style: chr5-112842983-A-G. GRCh37 (hg19) VCF-style: chr5-112178680-A-G.
Other names: c.7389A>G, p.Glu2463= (NM_001127510.3, NM_001354895.2); c.7335A>G, p.Glu2445= (NM_001127511.3); c.7443A>G, p.Glu2481= (NM_001354896.2); c.7419A>G, p.Glu2473= (NM_001354897.2); c.7314A>G, p.Glu2438= (NM_001354898.2); c.7305A>G, p.Glu2435= (NM_001354899.2); c.7266A>G, p.Glu2422= (NM_001354900.2); c.7212A>G, p.Glu2404= (NM_001354901.2); and 5 more.
Identifiers: ClinVar variation 1122348 (VCV001122348.13), dbSNP rs587782127, ClinGen allele CA047877.
Genomic context (GRCh38, chr5:112,842,983, plus strand): 5'-CATCAAAGAAGCTCCAAGCCCAACCTTAAGAAGAAAATTGGAGGAATCTGCTTCATTTGA[A>G]TCTCTTTCTCCATCATCTAGACCAGCTTCTCCCACTAGGTCCCAGGCACAAACTCCAGTT-3'
Protein context (NP_000029.2, residues 2453-2473): RRKLEESASF[Glu2463=]SLSPSSRPAS